The following is an entry in ClinVar:

ClinVar aggregate classification (germline): Uncertain significance. Review status: criteria provided, multiple submitters, no conflicts (2 of 4 stars). 2 submissions from 2 submitters: Uncertain significance (2). Last evaluated 2024-01-27.

Conditions:
Familial cancer of breast. Also called: hereditary breast carcinoma; Hereditary breast cancer; BREAST CANCER, FAMILIAL. Identifiers: Orphanet 227535, MedGen C0346153, MONDO:0016419, OMIM 114480. Disease mechanism: loss of function.

Allele frequency attached by ClinVar (database versions not stated): gnomAD exomes below 0.00001.
gnomAD v4.1: 1 of 1,612,928 alleles (0.000062%); highest among the groups gnomAD compares: African/African-American, 0.0013%; no homozygotes.

Submissions (2):

Baylor Genetics
Classification: Uncertain significance for Familial cancer of breast. Last evaluated: 2024-01-27. Review status: criteria provided, single submitter. Criteria: ACMG Guidelines, 2015. Collection method: clinical testing. Allele origin: unknown.

Women's Health and Genetics/Laboratory Corporation of America, LabCorp
Classification: Uncertain significance. Last evaluated: 2023-06-23. Review status: criteria provided, single submitter. Criteria: LabCorp Variant Classification Summary - May 2015. Collection method: clinical testing. Allele origin: germline.
Comment: Variant summary: PALB2 c.983C>G (p.Ser328Cys) results in a non-conservative amino acid change in the encoded protein sequence. Three of five in-silico tools predict a damaging effect of the variant on protein function. The variant was absent in 250676 control chromosomes (gnomAD). The available data on variant occurrences in the general population are insufficient to allow any conclusion about variant significance. To our knowledge, no occurrence of c.983C>G in individuals affected with Breast Cancer and no experimental evidence demonstrating its impact on protein function have been reported. No submitters have cited clinical-significance assessments for this variant to ClinVar after 2014. Based on the evidence outlined above, the variant was classified as uncertain significance.

NM_024675.4(PALB2):c.983C>G (p.Ser328Cys)

Gene: PALB2 (partner and localizer of BRCA2; minus strand). Cytogenetic location: 16p12.2.
Variant type: single nucleotide variant.
Coding change: c.983C>G on transcript NM_024675.4 (MANE Select); coding-DNA position 983, C replaced by G.
Protein change: p.Ser328Cys; replaces serine 328 with cysteine.
Molecular consequence: missense variant. On other transcripts: intron variant (3).
Genome position (GRCh38, 1-based): chr16:23,635,563, G>C on the plus strand (C>G on the coding strand, the complement: PALB2 is on the minus strand). VCF-style: chr16-23635563-G-C. GRCh37 (hg19) VCF-style: chr16-23646884-G-C.
Other names: c.923C>G, p.Ser308Cys (NM_001407296.1); c.983C>G, p.Ser328Cys (NM_001407297.1, NM_001407298.1, NM_001407299.1 and 3 more transcripts); c.98C>G, p.Ser33Cys (NM_001407304.1, NM_001407305.1, NM_001407306.1 and 5 more transcripts); c.48+5547C>G (NM_001407314.1); c.-104-5094C>G (NM_001407313.1, NM_001407312.1); short protein forms S308C, S328C, S33C.
Identifiers: ClinVar variation 2573616 (VCV002573616.2), dbSNP rs1567221893, ClinGen allele CA395134763.
Genomic context (GRCh38, chr16:23,635,563, plus strand): 5'-TGTTCTTTTAAGTTTTGGTTTTCATTTGCTGGTAAGTTATTGTAGGTGAGTTCATTTAGA[G>C]AACATGAAATATTTGCCTCTAAATTAGAACTTGTGGGCAGTTGGCCACTTTTACTTATAG-3'
Protein context (NP_078951.2, residues 318-338): SSNLEANISC[Ser328Cys]LNELTYNNLP